The following is an entry in ClinVar:

ClinVar aggregate classification (germline): Benign/Likely benign. Review status: criteria provided, multiple submitters, no conflicts (2 of 4 stars). 7 submissions from 7 submitters: Benign (2); Likely benign (5). Last evaluated 2026-01-19.

Conditions:
MEGF10-related myopathy (CMYO10A). Also called: Congenital myopathy 10A, severe variant. Identifiers: Orphanet 439212, MedGen C3280679, MONDO:0013731, OMIM 614399.

Allele frequency attached by ClinVar (database versions not stated): 1000 Genomes Project 0.00140; 1000 Genomes Project 30x 0.00187; ExAC 0.00216; gnomAD exomes 0.00232; gnomAD 0.00246 and 0.00257; TOPMed 0.00267; ESP Exome Variant Server 0.00292.
gnomAD v4.1: 5,445 of 1,569,170 alleles (0.35%); highest among the groups gnomAD compares: Non-Finnish European, 0.43%; 19 homozygotes.

Submissions (7):

Labcorp Genetics (formerly Invitae), Labcorp
Classification: Benign for MEGF10-related myopathy. Last evaluated: 2026-01-19. Review status: criteria provided, single submitter. Criteria: Invitae Variant Classification Sherloc (09022015). Collection method: clinical testing. Allele origin: germline.

Blueprint Genetics
Classification: Likely benign. Last evaluated: 2024-11-25. Review status: criteria provided, single submitter. Criteria: ACMG Guidelines, 2015. Collection method: clinical testing. Allele origin: germline.

Fulgent Genetics
Classification: Likely benign for MEGF10-related myopathy. Last evaluated: 2021-10-21. Review status: criteria provided, single submitter. Criteria: ACMG Guidelines, 2015. Collection method: clinical testing. Allele origin: unknown.

Centre for Mendelian Genomics, University Medical Centre Ljubljana
Classification: Benign for MEGF10-related myopathy. Last evaluated: 2018-10-31. Review status: criteria provided, single submitter. Criteria: ACMG Guidelines, 2015. Collection method: clinical testing. Allele origin: unknown. Affected: yes.
Comment: This variant was classified as: Benign. The following ACMG criteria were applied in classifying this variant: BS1,BS2.

GeneDx
Classification: Likely benign. Last evaluated: 2017-08-02. Review status: criteria provided, single submitter. Criteria: GeneDx Variant Classification (06012015). Collection method: clinical testing. Allele origin: germline. Affected: yes.
Comment: This variant is considered likely benign or benign based on one or more of the following criteria: it is a conservative change, it occurs at a poorly conserved position in the protein, it is predicted to be benign by multiple in silico algorithms, and/or has population frequency not consistent with disease.

Breakthrough Genomics
Classification: Likely benign. Review status: criteria provided, single submitter. Criteria: ACMG Guidelines, 2015. Collection method: not provided. Allele origin: germline. Inheritance: Autosomal recessive inheritance. Affected: yes.

PreventionGenetics, part of Exact Sciences
Classification: Likely benign. Review status: criteria provided, single submitter. Criteria: ACMG Guidelines, 2015. Collection method: clinical testing. Allele origin: germline.

NM_001256545.2(MEGF10):c.218+17C>G

Gene: MEGF10 (multiple EGF like domains 10; plus strand). Cytogenetic location: 5q23.2.
Variant type: single nucleotide variant.
Coding change: c.218+17C>G on transcript NM_001256545.2 (MANE Select); 17 bases into the intron after coding-DNA position 218, C replaced by G.
Molecular consequence: intron variant.
Genome position (GRCh38, 1-based): chr5:127,339,238, C>G. VCF-style: chr5-127339238-C-G. GRCh37 (hg19) VCF-style: chr5-126674930-C-G.
Other names: c.218+17C>G (NM_032446.3, NM_001308119.2, NM_001308121.2).
Identifiers: ClinVar variation 262070 (VCV000262070.21), dbSNP rs72786483, ClinGen allele CA3391196.